The following is an entry in ClinVar:

ClinVar aggregate classification (germline): Pathogenic. Review status: criteria provided, multiple submitters, no conflicts (2 of 4 stars). 2 submissions from 2 submitters: Pathogenic (2). Last evaluated 2022-08-26.

Conditions:
DEGCAGS syndrome. Also called: DEVELOPMENTAL DELAY WITH GASTROINTESTINAL, CARDIOVASCULAR, GENITOURINARY, AND SKELETAL ABNORMALITIES. Identifiers: MedGen C5561967, MONDO:0859181, OMIM 619488.

Allele frequency attached by ClinVar (database versions not stated): gnomAD exomes below 0.00001.

Submissions (2):

Institute of Human Genetics Munich, TUM University Hospital
Classification: Pathogenic for DEGCAGS syndrome. Last evaluated: 2022-08-26. Review status: criteria provided, single submitter. Criteria: Classification criteria August 2017. Collection method: clinical testing. Allele origin: inherited. Inheritance: Autosomal recessive inheritance. Affected: yes. Observed: 1 variant allele.

Department of Medical Genetics, Sanjay Gandhi Post Graduate Institute of Medical Sciences
Classification: Pathogenic for DEGCAGS syndrome. Last evaluated: 2022-04-01. Review status: criteria provided, single submitter. Criteria: ACMG Guidelines, 2015. Collection method: research. Allele origin: inherited. Inheritance: Autosomal recessive inheritance. Affected: yes. Observed: 1 homozygote.
Comment: It is expected in a frameshift and premature truncation of the protein 11 amino acids downstream to codon 437 (p.H437Rfs*11). This ZNF699 variant has been classified as likely pathogenic according to the ACMG/ AMP guidelines (PVS1, PM2,PS4,PP5)

NM_198535.3(ZNF699):c.1310_1311del (p.His437fs)

Gene: ZNF699 (zinc finger protein 699; minus strand). Cytogenetic location: 19p13.2.
Variant type: Deletion.
Coding change: c.1310_1311del on transcript NM_198535.3 (MANE Select); coding-DNA positions 1310 to 1311, 2 bases deleted (AT; older notation c.1310_1311delAT).
Protein change: p.His437fs; shifts the reading frame from histidine 437.
Molecular consequence: frameshift variant.
Genome position (GRCh38, 1-based): chr19:9,296,093-9,296,094, AT deleted on the plus strand (AT on the coding strand, the reverse complement: ZNF699 is on the minus strand). VCF-style (leftmost placement, unchanged base first): chr19-9296092-CAT-C. GRCh37 (hg19) VCF-style: chr19-9406768-CAT-C.
Other names: short protein forms H437fs.
Identifiers: ClinVar variation 2584361 (VCV002584361.3), dbSNP rs2066284895, ClinGen allele CA2321852579.